The following is an entry in ClinVar:

NM_001323289.2(CDKL5):c.2522dup (p.Leu842fs)

Gene: CDKL5 (cyclin dependent kinase like 5; plus strand). Cytogenetic location: Xp22.13.
Variant type: Duplication.
Coding change: c.2522dup on transcript NM_001323289.2 (MANE Select); coding-DNA position 2522, one base duplicated (A; older notation c.2522dupA).
Protein change: p.Leu842fs; shifts the reading frame from leucine 842.
Molecular consequence: frameshift variant.
Genome position (GRCh38, 1-based): chrX:18,628,396, A duplicated; the last of 2 consecutive A bases (chrX:18,628,395-18,628,396); duplicating either gives the same sequence. VCF-style (leftmost placement, unchanged base first): chrX-18628394-C-CA. GRCh37 (hg19) VCF-style: chrX-18646514-C-CA.
Other names: c.2522dupA (NM_003159.2); c.2522dup, p.Leu842fs (NM_001037343.2, NM_003159.3); short protein forms L842fs.
Identifiers: ClinVar variation 280890 (VCV000280890.2), dbSNP rs886042014, ClinGen allele CA10603424.

ClinVar aggregate classification (germline): Pathogenic (1 of 4 stars; one submission).

Submission:

GeneDx
Classification: Pathogenic. Last evaluated: 2016-09-28. Review status: criteria provided, single submitter. Criteria: GeneDx Variant Classification (06012015). Collection method: clinical testing. Allele origin: germline. Affected: yes.
Comment: The c.2522dupA pathogenic variant in the CDKL5 gene has not been reported previously as a pathogenic variant nor as a benign variant, to our knowledge. The c.2522dupA variant causes a frameshift starting with codon Leucine 842, changes this amino acid to a Valine residue, and creates a premature Stop codon at position 68 of the new reading frame, denoted p.Leu842ValfsX68. This variant is predicted to cause loss of normal protein function either through protein truncation or nonsense-mediated mRNA decay. It was not observed in approximately 6500 individuals of European and African American ancestry in the NHLBI Exome Sequencing Project, indicating it is not a common benign variant in these populations. We interpret c.2522dupA as a pathogenic variant.